The following is an entry in ClinVar:

ClinVar aggregate classification (germline): Uncertain significance (1 of 4 stars; one submission).

Conditions:
Left ventricular noncompaction 8 (LVNC8). Identifiers: Orphanet 154, Orphanet 54260, MedGen C3809288, MONDO:0014152, OMIM 615373.

gnomAD v4.1: 5 of 1,611,982 alleles (0.00031%); highest among the groups gnomAD compares: East Asian, 0.011%; no homozygotes.

Submission:

Labcorp Genetics (formerly Invitae), Labcorp
Classification: Uncertain significance for Left ventricular noncompaction 8. Last evaluated: 2024-03-04. Review status: criteria provided, single submitter. Criteria: Invitae Variant Classification Sherloc (09022015). Collection method: clinical testing. Allele origin: germline.
Comment: This sequence change replaces proline, which is neutral and non-polar, with leucine, which is neutral and non-polar, at codon 71 of the PRDM16 protein (p.Pro71Leu). The frequency data for this variant in the population databases is considered unreliable, as metrics indicate poor data quality at this position in the gnomAD database. This variant has not been reported in the literature in individuals affected with PRDM16-related conditions. An algorithm developed to predict the effect of missense changes on protein structure and function (PolyPhen-2) suggests that this variant is likely to be disruptive. In summary, the available evidence is currently insufficient to determine the role of this variant in disease. Therefore, it has been classified as a Variant of Uncertain Significance.

NM_022114.4(PRDM16):c.212C>T (p.Pro71Leu)

Gene: PRDM16 (PR/SET domain 16; plus strand). Cytogenetic location: 1p36.32.
Variant type: single nucleotide variant.
Coding change: c.212C>T on transcript NM_022114.4 (MANE Select); coding-DNA position 212, C replaced by T.
Protein change: p.Pro71Leu; replaces proline 71 with leucine.
Molecular consequence: missense variant.
Genome position (GRCh38, 1-based): chr1:3,186,299, C>T. VCF-style: chr1-3186299-C-T. GRCh37 (hg19) VCF-style: chr1-3102863-C-T.
Other names: c.212C>T, p.Pro71Leu (NM_199454.3); short protein forms P71L.
Identifiers: ClinVar variation 3681693 (VCV003681693.2).
Genomic context (GRCh38, chr1:3,186,299, plus strand): 5'-CGTCCCCCTTCCCCACCAGCGAGGACTTCACCCCCAAGGAGGGCTCGCCGTACGAGGCCC[C>T]TGTCTACATTCCTGAAGACATTCCGATCCCAGCAGACTTCGAGCTCCGAGAGTCCTCCAT-3'
Protein context (NP_071397.3, residues 61-81): TPKEGSPYEA[Pro71Leu]VYIPEDIPIP